The following is an entry in ClinVar:

ClinVar aggregate classification (germline): Likely benign (1 of 4 stars; one submission).

Allele frequency attached by ClinVar (database versions not stated): ExAC 0.00002; gnomAD exomes 0.00003; TOPMed 0.00003; gnomAD 0.00005; ESP Exome Variant Server 0.00008.
gnomAD v4.1: 53 of 1,613,744 alleles (0.0033%); highest among the groups gnomAD compares: Middle Eastern, 0.016%; no homozygotes.

Submission:

CeGaT Center for Human Genetics Tuebingen
Classification: Likely benign. Last evaluated: 2022-10-01. Review status: criteria provided, single submitter. Criteria: CeGaT Center For Human Genetics Tuebingen Variant Classification Criteria Version 2. Collection method: clinical testing. Allele origin: germline. Affected: yes. Observed: 1 variant allele.
Comment: COL6A6: BP4

NM_001102608.3(COL6A6):c.5920C>T (p.Arg1974Trp)

Gene: COL6A6 (collagen type VI alpha 6 chain; plus strand). Cytogenetic location: 3q22.1.
Variant type: single nucleotide variant.
Coding change: c.5920C>T on transcript NM_001102608.3 (MANE Select); coding-DNA position 5920, C replaced by T.
Protein change: p.Arg1974Trp; replaces arginine 1974 with tryptophan.
Molecular consequence: missense variant.
Genome position (GRCh38, 1-based): chr3:130,661,726, C>T. VCF-style: chr3-130661726-C-T. GRCh37 (hg19) VCF-style: chr3-130380570-C-T.
Other names: short protein forms R1974W.
Identifiers: ClinVar variation 2654142 (VCV002654142.24), dbSNP rs371924042, ClinGen allele CA2613549.